The following is an entry in ClinVar:

NM_001369.3(DNAH5):c.5928del (p.Ala1977fs)

Gene: DNAH5 (dynein axonemal heavy chain 5; minus strand). Cytogenetic location: 5p15.2.
Variant type: Deletion.
Coding change: c.5928del on transcript NM_001369.3 (MANE Select); coding-DNA position 5928, one base deleted (A; older notation c.5928delA).
Protein change: p.Ala1977fs; shifts the reading frame from alanine 1977.
Molecular consequence: frameshift variant.
Genome position (GRCh38, 1-based): chr5:13,830,730, T deleted on the plus strand (A on the coding strand, the reverse complement: DNAH5 is on the minus strand). VCF-style (leftmost placement, unchanged base first): chr5-13830729-CT-C. GRCh37 (hg19) VCF-style: chr5-13830838-CT-C.
Other names: c.5928del (NM_001369.2); short protein forms A1977fs.
Identifiers: ClinVar variation 2982244 (VCV002982244.4), dbSNP rs2546882292, ClinGen allele CA2695204211.

ClinVar aggregate classification (germline): Pathogenic. Review status: criteria provided, multiple submitters, no conflicts (2 of 4 stars). 2 submissions from 2 submitters: Pathogenic (2). Last evaluated 2025-06-12.

Conditions:
Primary ciliary dyskinesia. Also called: Ciliary dyskinesia. Identifiers: Orphanet 244, MedGen C0008780, MONDO:0016575, HP:0012265.

Submissions (2):

Natera, Inc.
Classification: Pathogenic for Primary ciliary dyskinesia. Last evaluated: 2025-06-12. Review status: criteria provided, single submitter. Criteria: Natera Variant Classification Schema (03/2026). Collection method: clinical testing. Allele origin: germline.
Comment: The c.5928del variant in DNAH5 is a frameshift variant predicted to shift the reading frame beginning at codon 1977 and leads to a stop codon 77 codons downstream. This variant is expected to result in nonsense mediated decay, truncation, or a dysfunctional protein product. This variant is rare in the general population with a frequency below the threshold expected for the associated phenotype(s). This variant has been observed in one or more individuals affected with the associated recessive disease, as either homozygous or compound heterozygous with a second variant (PMID: 33577779). Given the available evidence, this variant is classified as Pathogenic.

Labcorp Genetics (formerly Invitae), Labcorp
Classification: Pathogenic for Primary ciliary dyskinesia. Last evaluated: 2024-01-21. Review status: criteria provided, single submitter. Criteria: Invitae Variant Classification Sherloc (09022015). Collection method: clinical testing. Allele origin: germline.
Comment: This sequence change creates a premature translational stop signal (p.Ala1977Profs*77) in the DNAH5 gene. It is expected to result in an absent or disrupted protein product. Loss-of-function variants in DNAH5 are known to be pathogenic (PMID: 11788826, 16627867). This variant is not present in population databases (gnomAD no frequency). This premature translational stop signal has been observed in individual(s) with clinical features of primary ciliary dyskinesia (PMID: 33577779). For these reasons, this variant has been classified as Pathogenic.

Literature cited by the submitters: PubMed 33577779 (cited by Natera, Inc. and Labcorp Genetics (formerly Invitae), Labcorp); PubMed 11788826 (cited by Labcorp Genetics (formerly Invitae), Labcorp); PubMed 16627867 (cited by Labcorp Genetics (formerly Invitae), Labcorp).